The following is an entry in ClinVar:

NM_001370466.1(NOD2):c.1994A>G (p.Glu665Gly)

Gene: NOD2 (nucleotide binding oligomerization domain containing 2; plus strand). Cytogenetic location: 16q12.1.
Variant type: single nucleotide variant.
Coding change: c.1994A>G on transcript NM_001370466.1 (MANE Select); coding-DNA position 1994, A replaced by G.
Protein change: p.Glu665Gly; replaces glutamic acid 665 with glycine.
Molecular consequence: missense variant. On other transcripts: non-coding transcript variant (1).
Genome position (GRCh38, 1-based): chr16:50,711,986, A>G. VCF-style: chr16-50711986-A-G. GRCh37 (hg19) VCF-style: chr16-50745897-A-G.
Other names: c.1994A>G, p.Glu665Gly (NM_001293557.2); c.2075A>G, p.Glu692Gly (NM_022162.3); short protein forms E665G, E692G.
Identifiers: ClinVar variation 941753 (VCV000941753.12), dbSNP rs766687492, ClinGen allele CA8051689.

ClinVar aggregate classification (germline): Uncertain significance. Review status: criteria provided, multiple submitters, no conflicts (2 of 4 stars). 2 submissions from 2 submitters: Uncertain significance (2). Last evaluated 2024-10-29.

Conditions:
Blau syndrome (BLAUS). Also called: GRANULOMATOSIS, FAMILIAL JUVENILE SYSTEMIC; GRANULOMATOSIS, FAMILIAL, BLAU TYPE; GRANULOMATOUS INFLAMMATORY ARTHRITIS, DERMATITIS, AND UVEITIS, FAMILIAL; JABS SYNDROME; ARTHROCUTANEOUVEAL GRANULOMATOSIS. Identifiers: Orphanet 90340, MedGen C5201146, MONDO:0008523, OMIM 186580.
Regional enteritis. Also called: Enteritis, Granulomatous. Identifiers: MedGen C0678202, MeSH D003424.

Allele frequency attached by ClinVar (database versions not stated): ExAC 0.00001; TOPMed 0.00001; gnomAD exomes 0.00003.
gnomAD v4.1: 7 of 1,613,350 alleles (0.00043%); highest among the groups gnomAD compares: Admixed American, 0.012%; no homozygotes.

Submissions (2):

Labcorp Genetics (formerly Invitae), Labcorp
Classification: Uncertain significance for Regional enteritis; Blau syndrome. Last evaluated: 2024-10-29. Review status: criteria provided, single submitter. Criteria: Invitae Variant Classification Sherloc (09022015). Collection method: clinical testing. Allele origin: germline.
Comment: This sequence change replaces glutamic acid, which is acidic and polar, with glycine, which is neutral and non-polar, at codon 692 of the NOD2 protein (p.Glu692Gly). This variant is present in population databases (rs766687492, gnomAD 0.02%). This variant has not been reported in the literature in individuals affected with NOD2-related conditions. ClinVar contains an entry for this variant (Variation ID: 941753). Invitae Evidence Modeling of protein sequence and biophysical properties (such as structural, functional, and spatial information, amino acid conservation, physicochemical variation, residue mobility, and thermodynamic stability) indicates that this missense variant is not expected to disrupt NOD2 protein function with a negative predictive value of 95%. In summary, the available evidence is currently insufficient to determine the role of this variant in disease. Therefore, it has been classified as a Variant of Uncertain Significance.

GeneDx
Classification: Uncertain significance. Last evaluated: 2019-04-16. Review status: criteria provided, single submitter. Criteria: GeneDx Variant Classification Process June 2021. Collection method: clinical testing. Allele origin: germline. Affected: yes.
Comment: Has not been previously published as pathogenic or benign to our knowledge